The following is an entry in ClinVar:

ClinVar aggregate classification (germline): Conflicting classifications of pathogenicity. Review status: criteria provided, conflicting classifications (1 of 4 stars). 3 submissions from 3 submitters: Uncertain significance (2); Likely benign (1). Last evaluated 2025-09-02.

Conditions:
Inborn genetic diseases. Identifiers: MedGen C0950123, MeSH D030342.
Developmental and epileptic encephalopathy 94 (DEE94). Also called: Epileptic encephalopathy, childhood-onset; CHD2-Related Neurodevelopmental Disorders. Identifiers: Orphanet 1942, Orphanet 2382, MedGen C3809278, MONDO:0014150, OMIM 615369.

Allele frequency attached by ClinVar (database versions not stated): gnomAD 0.00001 and 0.00003; TOPMed 0.00001; ExAC 0.00005; gnomAD exomes 0.00006; 1000 Genomes Project 30x 0.00016.
gnomAD v4.1: 42 of 1,614,184 alleles (0.0026%); highest among the groups gnomAD compares: East Asian, 0.033%; no homozygotes.

Submissions (3):

Labcorp Genetics (formerly Invitae), Labcorp
Classification: Uncertain significance for Developmental and epileptic encephalopathy 94. Last evaluated: 2025-09-02. Review status: criteria provided, single submitter. Criteria: Invitae Variant Classification Sherloc (09022015). Collection method: clinical testing. Allele origin: germline.
Comment: This sequence change replaces glutamine, which is neutral and polar, with histidine, which is basic and polar, at codon 198 of the CHD2 protein (p.Gln198His). The frequency data for this variant in the population databases is considered unreliable, as metrics indicate poor data quality at this position in the gnomAD database. This missense change has been observed in individual(s) with autism and/or developmental delay (PMID: 30564305). ClinVar contains an entry for this variant (Variation ID: 626082). Invitae Evidence Modeling of protein sequence and biophysical properties (such as structural, functional, and spatial information, amino acid conservation, physicochemical variation, residue mobility, and thermodynamic stability) indicates that this missense variant is not expected to disrupt CHD2 protein function with a negative predictive value of 95%. In summary, the available evidence is currently insufficient to determine the role of this variant in disease. Therefore, it has been classified as a Variant of Uncertain Significance.

Ambry Genetics
Classification: Likely benign for Inborn genetic diseases. Last evaluated: 2021-07-10. Review status: criteria provided, single submitter. Criteria: Ambry Variant Classification Scheme 2023. Collection method: clinical testing. Allele origin: germline.

Center for Genomics, Ann and Robert H. Lurie Children's Hospital of Chicago
Classification: Uncertain significance for Developmental and epileptic encephalopathy 94. Last evaluated: 2021-03-30. Review status: criteria provided, single submitter. Criteria: ACMG Guidelines, 2015. Collection method: clinical testing. Allele origin: germline.
Comment: CHD2 NM_001271.3 exon 7 p.Gln198His (c.594G>C): This variant has not been reported in the literature but is present in 10/17246 East Asian alleles in the Genome Aggregation Database. Evolutionary conservation and computational predictive tools for this variant are unclear. In summary, data on this variant is insufficient for disease classification. Therefore, the clinical significance of this variant is uncertain.

Literature cited by the submitters: PubMed 30564305 (cited by Labcorp Genetics (formerly Invitae), Labcorp).

NM_001271.4(CHD2):c.594G>C (p.Gln198His)

Gene: CHD2 (chromodomain helicase DNA binding protein 2; plus strand). Cytogenetic location: 15q26.1.
Variant type: single nucleotide variant.
Coding change: c.594G>C on transcript NM_001271.4 (MANE Select); coding-DNA position 594, G replaced by C.
Protein change: p.Gln198His; replaces glutamine 198 with histidine.
Molecular consequence: missense variant.
Genome position (GRCh38, 1-based): chr15:92,939,620, G>C. VCF-style: chr15-92939620-G-C. GRCh37 (hg19) VCF-style: chr15-93482850-G-C.
Other names: c.594G>C, p.Gln198His (NM_001042572.3); short protein forms Q198H.
Identifiers: ClinVar variation 626082 (VCV000626082.11), dbSNP rs374064833, ClinGen allele CA7747576.
Genomic context (GRCh38, chr15:92,939,620, plus strand): 5'-TTTCTCTTCTCATTTTAGAACAGTGCCCAAACCTCGTGTTAAAAAGCAGCCGAAGACTCA[G>C]CGTGGAAAGAGAAAAAAGCAAGATTCTTCTGATGAGGATGATGATGATGACGAAGCTCCC-3'
Protein context (NP_001262.3, residues 188-208): KPRVKKQPKT[Gln198His]RGKRKKQDSS